The following is an entry in ClinVar:

NM_018451.3:c.2992_3003del

Gene: CPAP (centrosome assembly and centriole elongation protein; minus strand).
Variant type: Deletion.
Identifiers: ClinVar variation 3392834 (VCV003392834.1).

ClinVar aggregate classification (germline): Uncertain significance (1 of 4 stars; one submission).

Submission:

GeneDx
Classification: Uncertain significance. Last evaluated: 2024-06-24. Review status: criteria provided, single submitter. Criteria: GeneDx Variant Classification Process June 2021. Collection method: clinical testing. Allele origin: germline. Affected: yes.
Comment: Not observed at significant frequency in large population cohorts (gnomAD); In-frame deletion of 4 amino acids in a non-repeat region; In silico analysis supports a deleterious effect on protein structure/function; Has not been previously published as pathogenic or benign to our knowledge; In silico analysis is inconclusive as to whether the variant alters gene splicing. In the absence of RNA/functional studies, the actual effect of this sequence change is unknown.